The following is an entry in ClinVar:

ClinVar aggregate classification (germline): Uncertain significance (0 of 4 stars; one submission).

Conditions:
Prostate cancer. Also called: Malignant tumor of prostate. Identifiers: Orphanet 1331, MedGen C0376358, MONDO:0008315, HP:0012125.

Submission:

Science for Life laboratory,  Karolinska Institutet
Classification: Uncertain significance for Malignant tumor of prostate. Review status: no assertion criteria provided. Collection method: not provided. Allele origin: somatic.
Comment: TumorID:SWE-16
ClinVar note: Converted during submission from Unknown to Uncertain significance.

NM_033439.4(IL33):c.712G>A (p.Val238Met)

Gene: IL33 (interleukin 33; plus strand). Cytogenetic location: 9p24.1.
Variant type: single nucleotide variant.
Coding change: c.712G>A on transcript NM_033439.4 (MANE Select); coding-DNA position 712, G replaced by A.
Protein change: p.Val238Met; replaces valine 238 with methionine.
Molecular consequence: missense variant.
Genome position (GRCh38, 1-based): chr9:6,256,067, G>A. VCF-style: chr9-6256067-G-A. GRCh37 (hg19) VCF-style: chr9-6256067-G-A.
Other names: c.586G>A, p.Val196Met (NM_001199640.2, NM_001314048.2); c.334G>A, p.Val112Met (NM_001199641.2); c.712G>A, p.Val238Met (NM_001314044.2, NM_001314045.2); c.694G>A, p.Val232Met (NM_001314046.2, NM_001314047.2); c.589G>A, p.Val197Met (NM_001353802.2); short protein forms V238M, V232M, V112M, V197M, V196M.
Identifiers: ClinVar variation 161789 (VCV000161789.2), dbSNP rs193920852, ClinGen allele CA174786.
Genomic context (GRCh38, chr9:6,256,067, plus strand): 5'-TTTGTCCTTCATAATATGCACTCCAACTGTGTTTCATTTGAATGCAAGACTGATCCTGGA[G>A]TGTTTATAGGTGTAAAGGATAATCATCTTGCTCTGATTAAAGTAGACTCTTCTGAGAATT-3'
Protein context (NP_254274.1, residues 228-248): VSFECKTDPG[Val238Met]FIGVKDNHLA